The following is an entry in ClinVar:

ClinVar aggregate classification (germline): Uncertain significance (1 of 4 stars; one submission).

Submission:

Labcorp Genetics (formerly Invitae), Labcorp
Classification: Uncertain significance. Last evaluated: 2022-03-12. Review status: criteria provided, single submitter. Criteria: Invitae Variant Classification Sherloc (09022015). Collection method: clinical testing. Allele origin: germline.
Comment: In summary, the available evidence is currently insufficient to determine the role of this variant in disease. Therefore, it has been classified as a Variant of Uncertain Significance. This variant, c.593_595del, results in the deletion of 1 amino acid(s) of the FN1 protein (p.Gly198del), but otherwise preserves the integrity of the reading frame. This variant is not present in population databases (gnomAD no frequency). This variant has not been reported in the literature in individuals affected with FN1-related conditions.

NM_212482.4(FN1):c.593_595del (p.Gly198del)

Gene: FN1 (fibronectin 1; minus strand). Cytogenetic location: 2q35.
Variant type: Deletion.
Coding change: c.593_595del on transcript NM_212482.4 (MANE Select); coding-DNA positions 593 to 595, 3 bases deleted (GAG; older notation c.593_595delGAG).
Protein change: p.Gly198del; deletes glycine 198.
Molecular consequence: inframe deletion.
Genome position (GRCh38, 1-based): chr2:215,430,805-215,430,807, CTC deleted on the plus strand (GAG on the coding strand, the reverse complement: FN1 is on the minus strand); deleting any 3 consecutive bases within chr2:215,430,805-215,430,808 gives the same sequence; the c. name uses the placement nearest the transcript's 3' end. VCF-style (leftmost placement, unchanged base first): chr2-215430804-TCTC-T. GRCh37 (hg19) VCF-style: chr2-216295527-TCTC-T.
Other names: c.593_595del, p.Gly198del (NM_001306129.2, NM_001306130.2, NM_001306131.2 and 14 more transcripts); short protein forms G198del.
Identifiers: ClinVar variation 2049487 (VCV002049487.4), dbSNP rs2470509207, ClinGen allele CA2580065652.
Genomic context (GRCh38, chr2:215,430,804, plus strand): 5'-CCTTCTCCCAGGCAAGTACAATCTACCATCATCCAGCCTTGGTAGGGCTTCTCCCACGTT[TCTC>T]CGACCACATAGGAAGTCCCAGCAGCATGATCAAAACACTTCTCAGCTGTAGGGAAATTTG-3'